The following is an entry in ClinVar:

NM_004614.5(TK2):c.206TCT[1] (p.Phe70del)

Gene: TK2 (thymidine kinase 2; minus strand). Cytogenetic location: 16q21.
Variant type: Microsatellite.
Coding change: c.206TCT[1] on transcript NM_004614.5 (MANE Select); one copy of the 3-base unit TCT starting at c.206; the reference has two copies in a row; one copy, 3 bases deleted.
Protein change: p.Phe70del; deletes phenylalanine 70.
Molecular consequence: inframe deletion. On other transcripts: 5 prime UTR variant (1), non-coding transcript variant (1), intron variant (1).
Genome position (GRCh38, 1-based): chr16:66,541,899-66,541,901, AGA deleted on the plus strand (TCT on the coding strand, the reverse complement: TK2 is on the minus strand); deleting any 3 consecutive bases within chr16:66,541,899-66,541,905 gives the same sequence; the position shown is the placement nearest the transcript's 3' end. VCF-style (leftmost placement, unchanged base first): chr16-66541898-GAGA-G. GRCh37 (hg19) VCF-style: chr16-66575801-GAGA-G.
Other names: c.113TCT[1], p.Phe39del (NM_001172643.1, NM_001271935.1); c.206TCT[1], p.Phe70del (NM_001172645.2); c.59TCT[1], p.Phe21del (NM_001271934.2); c.-86TCT[1] (NM_001272050.2); c.157-4884_157-4882del (NM_001172644.2); short protein forms F39del, F70del, F21del.
Identifiers: ClinVar variation 1969991 (VCV001969991.2), dbSNP rs2507184003, ClinGen allele CA2580613885.

ClinVar aggregate classification (germline): Uncertain significance (1 of 4 stars; one submission).

Submission:

Labcorp Genetics (formerly Invitae), Labcorp
Classification: Uncertain significance. Last evaluated: 2022-05-19. Review status: criteria provided, single submitter. Criteria: Invitae Variant Classification Sherloc (09022015). Collection method: clinical testing. Allele origin: germline.
Comment: This variant, c.209_211del, results in the deletion of 1 amino acid(s) of the TK2 protein (p.Phe70del), but otherwise preserves the integrity of the reading frame. This variant is not present in population databases (gnomAD no frequency). This variant has not been reported in the literature in individuals affected with TK2-related conditions. Experimental studies and prediction algorithms are not available or were not evaluated, and the functional significance of this variant is currently unknown. This variant disrupts a region of the TK2 protein in which other variant(s) (p.Phe70Ser) have been observed in individuals with TK2-related conditions (PMID: 27839525). This suggests that this is a clinically significant region of the protein, and that variants that disrupt it are likely to be disease-causing. In summary, the available evidence is currently insufficient to determine the role of this variant in disease. Therefore, it has been classified as a Variant of Uncertain Significance.

Literature cited by the submitters: PubMed 27839525.